The following is an entry in ClinVar:

ClinVar aggregate classification (germline): Likely benign. Review status: criteria provided, multiple submitters, no conflicts (2 of 4 stars). 2 submissions from 2 submitters: Likely benign (2). Last evaluated 2018-06-19.

Allele frequency attached by ClinVar (database versions not stated): gnomAD 0.00838; 1000 Genomes Project 0.00879; TOPMed 0.00929; 1000 Genomes Project 30x 0.00937.
gnomAD v4.1: 2,480 of 1,549,170 alleles (0.16%); highest among the groups gnomAD compares: African/African-American, 3%; 35 homozygotes.

Submissions (2):

GeneDx
Classification: Likely benign. Last evaluated: 2018-06-19. Review status: criteria provided, single submitter. Criteria: GeneDx Variant Classification (06012015). Collection method: clinical testing. Allele origin: germline. Affected: yes.
Comment: This variant is considered likely benign or benign based on one or more of the following criteria: it is a conservative change, it occurs at a poorly conserved position in the protein, it is predicted to be benign by multiple in silico algorithms, and/or has population frequency not consistent with disease.

Breakthrough Genomics
Classification: Likely benign. Review status: criteria provided, single submitter. Criteria: ACMG Guidelines, 2015. Collection method: not provided. Allele origin: germline. Inheritance: Autosomal dominant inheritance. Affected: yes.

NM_198904.4(GABRG2):c.259+60A>T

Gene: GABRG2 (gamma-aminobutyric acid type A receptor subunit gamma2; plus strand). Cytogenetic location: 5q34.
Variant type: single nucleotide variant.
Coding change: c.259+60A>T on transcript NM_198904.4 (MANE Select); 60 bases into the intron after coding-DNA position 259, A replaced by T.
Molecular consequence: intron variant.
Genome position (GRCh38, 1-based): chr5:162,094,039, A>T. VCF-style: chr5-162094039-A-T. GRCh37 (hg19) VCF-style: chr5-161521045-A-T.
Other names: c.259+60A>T (NM_000816.3, NM_001375343.1, NM_001375344.1 and 4 more transcripts); c.-27+60A>T (NM_001375349.1); c.-100+60A>T (NM_001375350.1, NM_001375348.1); c.250+60A>T (NM_001375339.1); c.193+60A>T (NM_001375346.1, NM_001375345.1); c.172+60A>T (NM_001375347.1).
Identifiers: ClinVar variation 675219 (VCV000675219.2), dbSNP rs78369083, ClinGen allele CA131111292.